The following is an entry in ClinVar:

NM_004006.3(DMD):c.8702C>A (p.Thr2901Asn)

Gene: DMD (dystrophin; minus strand). Cytogenetic location: Xp21.2.
Variant type: single nucleotide variant.
Coding change: c.8702C>A on transcript NM_004006.3 (MANE Select); coding-DNA position 8702, C replaced by A.
Protein change: p.Thr2901Asn; replaces threonine 2901 with asparagine.
Molecular consequence: missense variant.
Genome position (GRCh38, 1-based): chrX:31,478,341, G>T on the plus strand (C>A on the coding strand, the complement: DMD is on the minus strand). VCF-style: chrX-31478341-G-T. GRCh37 (hg19) VCF-style: chrX-31496458-G-T.
Other names: c.8678C>A, p.Thr2893Asn (NM_000109.4); c.8690C>A, p.Thr2897Asn (NM_004009.3); c.8333C>A, p.Thr2778Asn (NM_004010.3); c.4679C>A, p.Thr1560Asn (NM_004011.4); c.4670C>A, p.Thr1557Asn (NM_004012.4); c.1322C>A, p.Thr441Asn (NM_004013.3, NM_004020.4, NM_004021.3 and 2 more transcripts); c.515C>A, p.Thr172Asn (NM_004014.3); short protein forms T1557N, T1560N, T172N, T2778N, T2893N, T2897N, T2901N, T441N.
Identifiers: ClinVar variation 1017053 (VCV001017053.9), dbSNP rs2067975834, ClinGen allele CA412654339.
Genomic context (GRCh38, chrX:31,478,341, plus strand): 5'-TGCAGGTTCAATTTTTCCCACTCAGTATTGACCTCCTCAGCCTGCTTTCGTAGAAGCCGA[G>T]TGACATTCTGGGCTCTCTCCTCAGGAGGCAGCTCTAAATTGGCAATATGACAAGGTTTTA-3'
Protein context (NP_003997.2, residues 2891-2911): LPPEERAQNV[Thr2901Asn]RLLRKQAEEV

ClinVar aggregate classification (germline): Uncertain significance (1 of 4 stars; one submission).

Conditions:
Duchenne muscular dystrophy (DMD). Also called: MUSCULAR DYSTROPHY, PSEUDOHYPERTROPHIC PROGRESSIVE, DUCHENNE TYPE; Duchenne Muscular Dystrophy (DMD). Identifiers: Orphanet 98896, MedGen C0013264, MONDO:0010679, OMIM 310200.

Submission:

Labcorp Genetics (formerly Invitae), Labcorp
Classification: Uncertain significance for Duchenne muscular dystrophy. Last evaluated: 2020-10-20. Review status: criteria provided, single submitter. Criteria: Invitae Variant Classification Sherloc (09022015). Collection method: clinical testing. Allele origin: germline.
Comment: In summary, the available evidence is currently insufficient to determine the role of this variant in disease. Therefore, it has been classified as a Variant of Uncertain Significance. Algorithms developed to predict the effect of missense changes on protein structure and function (SIFT, PolyPhen-2, Align-GVGD) all suggest that this variant is likely to be disruptive, but these predictions have not been confirmed by published functional studies and their clinical significance is uncertain. This variant has not been reported in the literature in individuals with DMD-related conditions. This variant is not present in population databases (ExAC no frequency). This sequence change replaces threonine with asparagine at codon 2901 of the DMD protein (p.Thr2901Asn). The threonine residue is highly conserved and there is a small physicochemical difference between threonine and asparagine.